The following is an entry in ClinVar:

NM_001330288.2(SMARCC2):c.3720del (p.Val1241fs)

Gene: SMARCC2 (SWI/SNF related BAF chromatin remodeling complex subunit C2; minus strand). Cytogenetic location: 12q13.2.
Variant type: Deletion.
Coding change: c.3720del on transcript NM_001330288.2 (MANE Select); coding-DNA position 3720, one base deleted (T; older notation c.3720delT).
Protein change: p.Val1241fs; shifts the reading frame from valine 1241.
Molecular consequence: frameshift variant.
Genome position (GRCh38, 1-based): chr12:56,163,707, A deleted on the plus strand (T on the coding strand, the reverse complement: SMARCC2 is on the minus strand). VCF-style (leftmost placement, unchanged base first): chr12-56163706-CA-C. GRCh37 (hg19) VCF-style: chr12-56557490-CA-C.
Other names: c.3441del, p.Val1148fs (NM_001130420.3); c.3627del, p.Val1210fs (NM_003075.5); c.3375del, p.Val1126fs (NM_139067.4); short protein forms V1126fs, V1148fs, V1210fs, V1241fs.
Identifiers: ClinVar variation 3600559 (VCV003600559.1).

ClinVar aggregate classification (germline): Uncertain significance (1 of 4 stars; one submission).

Submission:

GeneDx
Classification: Uncertain significance. Last evaluated: 2024-07-24. Review status: criteria provided, single submitter. Criteria: GeneDx Variant Classification Process June 2021. Collection method: clinical testing. Allele origin: germline. Affected: yes.
Comment: Not observed at significant frequency in large population cohorts (gnomAD); Frameshift variant predicted to result in abnormal protein length as the last 5 amino acids are replaced with 72 different amino acids; Has not been previously published as pathogenic or benign to our knowledge